The following is an entry in ClinVar:

NM_020338.4(ZMIZ1):c.1423T>A (p.Phe475Ile)

Gene: ZMIZ1 (zinc finger MIZ-type containing 1; plus strand). Cytogenetic location: 10q22.3.
Variant type: single nucleotide variant.
Coding change: c.1423T>A on transcript NM_020338.4 (MANE Select); coding-DNA position 1423, T replaced by A.
Protein change: p.Phe475Ile; replaces phenylalanine 475 with isoleucine.
Molecular consequence: missense variant.
Genome position (GRCh38, 1-based): chr10:79,297,622, T>A. VCF-style: chr10-79297622-T-A. GRCh37 (hg19) VCF-style: chr10-81057379-T-A.
Other names: short protein forms F475I.
Identifiers: ClinVar variation 4795725 (VCV004795725.1).
Genomic context (GRCh38, chr10:79,297,622, plus strand): 5'-TCTGATGGCTTTTCTGCCCCCCACTCAGTGTTGTTTATCTTGTTTTAATAGCCAGAACAG[T>A]TTAATGGACAAAATAACACGTTCTCGGGAAGCAGCTACAGTAACTACAGCCAAGGGAATG-3'
Protein context (NP_065071.1, residues 465-485): NMGQYYKPEQ[Phe475Ile]NGQNNTFSGS

ClinVar aggregate classification (germline): Uncertain significance (1 of 4 stars; one submission).

Submission:

GeneDx
Classification: Uncertain significance. Last evaluated: 2025-08-09. Review status: criteria provided, single submitter. Criteria: GeneDx Variant Classification Process June 2021. Collection method: clinical testing. Allele origin: germline. Affected: yes.
Comment: Not observed at significant frequency in large population cohorts (gnomAD); In silico analysis suggests that this missense variant does not alter protein structure/function; Has not been previously published as pathogenic or benign to our knowledge